The following is an entry in ClinVar:

ClinVar aggregate classification (germline): Uncertain significance. Review status: criteria provided, multiple submitters, no conflicts (2 of 4 stars). 3 submissions from 3 submitters: Uncertain significance (3). Last evaluated 2023-07-23.

Conditions:
Global developmental delay - lung cysts - overgrowth - Wilms tumor syndrome. Also called: GLOBAL DEVELOPMENTAL DELAY, LUNG CYSTS, OVERGROWTH, AND WILMS TUMOR; GLOW Syndrome. Identifiers: Orphanet 404476, MedGen C4748924, MONDO:0018445, OMIM 618272.
Hereditary cancer-predisposing syndrome. Also called: Tumor predisposition; Neoplastic Syndromes, Hereditary; Hereditary Cancer Syndrome; Hereditary neoplastic syndrome. Identifiers: Orphanet 140162, MedGen C0027672, MeSH D009386, MONDO:0015356.

Submissions (3):

Baylor Genetics
Classification: Uncertain significance for Global developmental delay - lung cysts - overgrowth - Wilms tumor syndrome. Last evaluated: 2023-07-23. Review status: criteria provided, single submitter. Criteria: ACMG Guidelines, 2015. Collection method: clinical testing. Allele origin: unknown.

Ambry Genetics
Classification: Uncertain significance for Hereditary cancer-predisposing syndrome. Last evaluated: 2023-04-25. Review status: criteria provided, single submitter. Criteria: Ambry Variant Classification Scheme 2023. Collection method: clinical testing. Allele origin: germline.
Comment: The p.G1817D variant (also known as c.5450G>A), located in coding exon 24 of the DICER1 gene, results from a G to A substitution at nucleotide position 5450. The glycine at codon 1817 is replaced by aspartic acid, an amino acid with similar properties. This amino acid position is highly conserved in available vertebrate species. In addition, this alteration is predicted to be deleterious by in silico analysis. Since supporting evidence is limited at this time, the clinical significance of this alteration remains unclear.

Blueprint Genetics
Classification: Uncertain significance. Last evaluated: 2021-04-28. Review status: criteria provided, single submitter. Criteria: ACMG Guidelines, 2015. Collection method: clinical testing. Allele origin: germline.

NM_177438.3(DICER1):c.5450G>A (p.Gly1817Asp)

Gene: DICER1 (dicer 1, ribonuclease III; minus strand). Cytogenetic location: 14q32.13.
Variant type: single nucleotide variant.
Coding change: c.5450G>A on transcript NM_177438.3 (MANE Select); coding-DNA position 5450, G replaced by A.
Protein change: p.Gly1817Asp; replaces glycine 1817 with aspartic acid.
Molecular consequence: missense variant. On other transcripts: non-coding transcript variant (6), intron variant (1).
Genome position (GRCh38, 1-based): chr14:95,091,280, C>T on the plus strand (G>A on the coding strand, the complement: DICER1 is on the minus strand). VCF-style: chr14-95091280-C-T. GRCh37 (hg19) VCF-style: chr14-95557617-C-T.
Other names: c.5450G>A, p.Gly1817Asp (NM_001271282.3, NM_001291628.2, NM_001395677.1 and 8 more transcripts); c.5168G>A, p.Gly1723Asp (NM_001395686.1); c.5045G>A, p.Gly1682Asp (NM_001395687.1, NM_001395688.1, NM_001395689.1 and 1 more transcripts); c.4883G>A, p.Gly1628Asp (NM_001395691.1); c.3767G>A, p.Gly1256Asp (NM_001395697.1); c.5365-171G>A (NM_001195573.1); short protein forms G1682D, G1817D, G1628D, G1256D, G1723D.
Identifiers: ClinVar variation 2566169 (VCV002566169.4), dbSNP rs2139777712, ClinGen allele CA390864628.